The following is an entry in ClinVar:

NM_005529.7(HSPG2):c.3472C>T (p.Arg1158Cys)

Gene: HSPG2 (heparan sulfate proteoglycan 2; minus strand). Cytogenetic location: 1p36.12.
Variant type: single nucleotide variant.
Coding change: c.3472C>T on transcript NM_005529.7 (MANE Select); coding-DNA position 3472, C replaced by T.
Protein change: p.Arg1158Cys; replaces arginine 1158 with cysteine.
Molecular consequence: missense variant.
Genome position (GRCh38, 1-based): chr1:21,874,672, G>A on the plus strand (C>T on the coding strand, the complement: HSPG2 is on the minus strand). VCF-style: chr1-21874672-G-A. GRCh37 (hg19) VCF-style: chr1-22201165-G-A.
Other names: c.3475C>T, p.Arg1159Cys (NM_001291860.2); c.3472C>T (NM_005529.5); short protein forms R1158C, R1159C.
Identifiers: ClinVar variation 1463204 (VCV001463204.6), dbSNP rs200400126, ClinGen allele CA672636.
Genomic context (GRCh38, chr1:21,874,672, plus strand): 5'-TTACCTGGCAGGCACCTGTTTCTGGCTCGCAGGCCTCTGAGTGGCCATGGCAGCTGCAGC[G>A]TTCACAGGTACCCAGGTAGAGGCCACTGGGCGTGCGTGTGTAGCCTGTGTCACAGTCCTG-3'
Protein context (NP_005520.4, residues 1148-1168): PSGLYLGTCE[Arg1158Cys]CSCHGHSEAC

ClinVar aggregate classification (germline): Uncertain significance. Review status: criteria provided, multiple submitters, no conflicts (2 of 4 stars). 2 submissions from 2 submitters: Uncertain significance (2). Last evaluated 2022-05-16.

Conditions:
Inborn genetic diseases. Identifiers: MedGen C0950123, MeSH D030342.

Allele frequency attached by ClinVar (database versions not stated): TOPMed 0.00004; gnomAD 0.00005; gnomAD exomes 0.00009 and 0.00011; ExAC 0.00011.
gnomAD v4.1: 141 of 1,612,252 alleles (0.0087%); highest among the groups gnomAD compares: Middle Eastern, 0.016%; no homozygotes.

Submissions (2):

Labcorp Genetics (formerly Invitae), Labcorp
Classification: Uncertain significance. Last evaluated: 2022-05-16. Review status: criteria provided, single submitter. Criteria: Invitae Variant Classification Sherloc (09022015). Collection method: clinical testing. Allele origin: germline.
Comment: This sequence change replaces arginine, which is basic and polar, with cysteine, which is neutral and slightly polar, at codon 1158 of the HSPG2 protein (p.Arg1158Cys). This variant is present in population databases (rs200400126, gnomAD 0.03%). This variant has not been reported in the literature in individuals affected with HSPG2-related conditions. Algorithms developed to predict the effect of missense changes on protein structure and function are either unavailable or do not agree on the potential impact of this missense change (SIFT: "Deleterious"; PolyPhen-2: "Possibly Damaging"; Align-GVGD: "Class C0"). In summary, the available evidence is currently insufficient to determine the role of this variant in disease. Therefore, it has been classified as a Variant of Uncertain Significance.

Ambry Genetics
Classification: Uncertain significance for Inborn genetic diseases. Last evaluated: 2021-01-07. Review status: criteria provided, single submitter. Criteria: Ambry Variant Classification Scheme 2023. Collection method: clinical testing. Allele origin: germline.